The following is an entry in ClinVar:

NM_207352.4(CYP4V2):c.1199G>A (p.Arg400His)

Gene: CYP4V2 (cytochrome P450 family 4 subfamily V member 2; plus strand). Cytogenetic location: 4q35.2.
Variant type: single nucleotide variant.
Coding change: c.1199G>A on transcript NM_207352.4 (MANE Select); coding-DNA position 1199, G replaced by A.
Protein change: p.Arg400His; replaces arginine 400 with histidine.
Molecular consequence: missense variant.
Genome position (GRCh38, 1-based): chr4:186,208,973, G>A. VCF-style: chr4-186208973-G-A. GRCh37 (hg19) VCF-style: chr4-187130127-G-A.
Other names: c.1503G>A; short protein forms R400H.
Identifiers: ClinVar variation 39254 (VCV000039254.58), dbSNP rs199476203, ClinGen allele CA343714.

ClinVar aggregate classification (germline): Pathogenic/Likely pathogenic. Review status: criteria provided, multiple submitters, no conflicts (2 of 4 stars). 9 submissions from 9 submitters: Pathogenic (4); Likely pathogenic (4). 1 of the submissions does not count toward it. Last evaluated 2026-03-17.

Conditions:
CYP4V2-related disorder. Also called: CYP4V2-related disorders; CYP4V2-related condition.
Bietti crystalline corneoretinal dystrophy (BCD). Also called: Bietti Crystalline Dystrophy; BIETTI TAPETORETINAL DEGENERATION WITH MARGINAL CORNEAL DYSTROPHY. Identifiers: Orphanet 41751, MedGen C1859486, MONDO:0008865, OMIM 210370.
Retinal disorder. Also called: Retinal disorders; Retinopathy; Retinopathies; Retinal Diseases. Identifiers: MedGen C0035309, MONDO:0005283, HP:0000488.

Allele frequency attached by ClinVar (database versions not stated): gnomAD 0.00003; TOPMed 0.00004; 1000 Genomes Project 0.00020; 1000 Genomes Project 30x 0.00031.
gnomAD v4.1: 39 of 1,614,140 alleles (0.0024%); highest among the groups gnomAD compares: Admixed American, 0.013%; no homozygotes.

Submissions (9):

PreventionGenetics, part of Exact Sciences
Classification: Pathogenic for CYP4V2-related condition. Last evaluated: 2026-03-17. Review status: criteria provided, single submitter. Criteria: ACMG Guidelines, 2015. Collection method: clinical testing. Allele origin: germline.
Comment: The CYP4V2 c.1199G>A variant is predicted to result in the amino acid substitution p.Arg400His. This variant has been reported many times in individuals with Bietti crystalline corneoretinal dystrophy or unspecified retinal disease (see for examples: Shan et al. 2005. PubMed ID: 16179904; Table S1, Weisschuh et al. 2024. PubMed ID: 37734845; Table S1, Lin et al. 2024. PubMed ID: 38219857). This variant is present in 0.016% of alleles in individuals of South Asian descent in gnomAD. This variant is interpreted as pathogenic.

Genetics Laboratory, Great Ormond Street Hospital NHS Foundation Trust, North Thames Genomic Laboratory Hub
Classification: Likely pathogenic for Retinal disorders. Last evaluated: 2025-12-15. Review status: criteria provided, single submitter. Criteria: ACGS Best Practice Guidelines for Variant Classification in Rare Disease 2024 v1.2. Collection method: clinical testing. Allele origin: germline. Affected: yes.
Comment: PM2_moderate, PP3_supporting, PM5_moderate, PM3_moderate

Medical and Scientific Branch, Hong Kong Genome Institute
Classification: Pathogenic for Bietti crystalline corneoretinal dystrophy. Last evaluated: 2025-12-11. Review status: criteria provided, single submitter. Criteria: ACMG Guidelines, 2015. Collection method: clinical testing. Allele origin: germline. Affected: yes.

Labcorp Genetics (formerly Invitae), Labcorp
Classification: Pathogenic. Last evaluated: 2025-10-12. Review status: criteria provided, single submitter. Criteria: Invitae Variant Classification Sherloc (09022015). Collection method: clinical testing. Allele origin: germline.
Comment: This sequence change replaces arginine, which is basic and polar, with histidine, which is basic and polar, at codon 400 of the CYP4V2 protein (p.Arg400His). This variant is present in population databases (rs199476203, gnomAD 0.02%). This missense change has been observed in individual(s) with Bietti crystalline dystrophy and autosomal recessive retinitis pigmentosa (PMID: 16179904, 24480711, 28051075, 31960602). In at least one individual the data is consistent with being in trans (on the opposite chromosome) from a pathogenic variant. It has also been observed to segregate with disease in related individuals. ClinVar contains an entry for this variant (Variation ID: 39254). Invitae Evidence Modeling of protein sequence and biophysical properties (such as structural, functional, and spatial information, amino acid conservation, physicochemical variation, residue mobility, and thermodynamic stability) indicates that this missense variant is expected to disrupt CYP4V2 protein function with a positive predictive value of 80%. For these reasons, this variant has been classified as Pathogenic.

Genomic Medicine Center of Excellence, King Faisal Specialist Hospital and Research Centre
Classification: Pathogenic for Bietti crystalline corneoretinal dystrophy. Last evaluated: 2024-03-29. Review status: criteria provided, single submitter. Criteria: ACMG Guidelines, 2015. Collection method: clinical testing. Allele origin: germline.

Blueprint Genetics
Classification: Likely pathogenic for CYP4V2-related disorders. Last evaluated: 2023-10-12. Review status: criteria provided, single submitter. Criteria: ACMG Guidelines, 2015. Collection method: clinical testing. Allele origin: germline. Affected: yes. Observed: 2 variant alleles.

Institute of Medical Genetics and Applied Genomics, University Hospital Tübingen
Classification: Likely pathogenic. Last evaluated: 2020-10-23. Review status: criteria provided, single submitter. Criteria: ACMG Guidelines, 2015. Collection method: clinical testing. Allele origin: germline. Inheritance: Autosomal recessive inheritance. Affected: yes.

CeGaT Center for Human Genetics Tuebingen
Classification: Likely pathogenic. Last evaluated: 2017-11-01. Review status: criteria provided, single submitter. Criteria: CeGaT Center For Human Genetics Tuebingen Variant Classification Criteria Version 2. Collection method: clinical testing. Allele origin: germline. Affected: yes. Observed: 1 variant allele.

GeneReviews
Classification: Pathogenic for Bietti Crystalline Dystrophy. Last evaluated: 2012-04-12. Review status: no assertion criteria provided. Collection method: curation. Allele origin: unknown. Not counted in ClinVar's aggregate classification.
ClinVar note: Converted during submission from pathologic to Pathogenic.

Literature cited by the submitters: PubMed 16179904 (cited by Labcorp Genetics (formerly Invitae), Labcorp); PubMed 24480711 (cited by Labcorp Genetics (formerly Invitae), Labcorp); PubMed 28051075 (cited by Labcorp Genetics (formerly Invitae), Labcorp); PubMed 31960602 (cited by Labcorp Genetics (formerly Invitae), Labcorp).